The following is an entry in ClinVar:

ClinVar aggregate classification (germline): Uncertain significance (1 of 4 stars; one submission).

Submission:

Labcorp Genetics (formerly Invitae), Labcorp
Classification: Uncertain significance. Last evaluated: 2023-08-30. Review status: criteria provided, single submitter. Criteria: Invitae Variant Classification Sherloc (09022015). Collection method: clinical testing. Allele origin: germline.
Comment: This variant has not been reported in the literature in individuals affected with PTPN23-related conditions. In summary, the available evidence is currently insufficient to determine the role of this variant in disease. Therefore, it has been classified as a Variant of Uncertain Significance. Experimental studies and prediction algorithms are not available or were not evaluated, and the functional significance of this variant is currently unknown. ClinVar contains an entry for this variant (Variation ID: 1466619). Information on the frequency of this variant in the gnomAD database is not available, as this variant may be reported differently in the database. This sequence change replaces proline, which is neutral and non-polar, with threonine, which is neutral and polar, at codon 1546 of the PTPN23 protein (p.Pro1546Thr).

NM_015466.4(PTPN23):c.4635_4636delinsAA (p.Pro1546Thr)

Gene: PTPN23 (protein tyrosine phosphatase non-receptor type 23; plus strand). Cytogenetic location: 3p21.31.
Variant type: Indel.
Coding change: c.4635_4636delinsAA on transcript NM_015466.4 (MANE Select); coding-DNA positions 4635 to 4636, GC replaced by AA.
Protein change: p.Pro1546Thr; replaces proline 1546 with threonine.
Molecular consequence: missense variant.
Genome position (GRCh38, 1-based): chr3:47,412,909-47,412,910, GC replaced by AA. VCF-style: chr3-47412909-GC-AA. GRCh37 (hg19) VCF-style: chr3-47454399-GC-AA.
Other names: c.4257_4258delinsAA, p.Pro1420Thr (NM_001304482.2); short protein forms P1546T, P1420T.
Identifiers: ClinVar variation 1466619 (VCV001466619.5), dbSNP rs2107729843, ClinGen allele CA2573137074.